The following is an entry in ClinVar:

ClinVar aggregate classification (germline): Uncertain significance. Review status: criteria provided, multiple submitters, no conflicts (2 of 4 stars). 2 submissions from 2 submitters: Uncertain significance (2). Last evaluated 2025-08-05.

Conditions:
Multiple endocrine neoplasia type 4. Also called: MULTIPLE ENDOCRINE NEOPLASIA, TYPE IV. Identifiers: Orphanet 276152, MedGen C1970712, MONDO:0012552, OMIM 610755.
Hereditary cancer-predisposing syndrome. Also called: Hereditary Cancer Syndrome; Hereditary neoplastic syndrome; Neoplastic Syndromes, Hereditary; Tumor predisposition. Identifiers: Orphanet 140162, MedGen C0027672, MeSH D009386, MONDO:0015356.

Submissions (2):

Labcorp Genetics (formerly Invitae), Labcorp
Classification: Uncertain significance for Multiple endocrine neoplasia type 4. Last evaluated: 2025-08-05. Review status: criteria provided, single submitter. Criteria: Invitae Variant Classification Sherloc (09022015). Collection method: clinical testing. Allele origin: germline.
Comment: This sequence change replaces glutamic acid, which is acidic and polar, with glutamine, which is neutral and polar, at codon 78 of the CDKN1B protein (p.Glu78Gln). This variant is not present in population databases (gnomAD no frequency). This variant has not been reported in the literature in individuals affected with CDKN1B-related conditions. ClinVar contains an entry for this variant (Variation ID: 3489623). An algorithm developed to predict the effect of missense changes on protein structure and function (PolyPhen-2) suggests that this variant is likely to be disruptive. In summary, the available evidence is currently insufficient to determine the role of this variant in disease. Therefore, it has been classified as a Variant of Uncertain Significance.

Ambry Genetics
Classification: Uncertain significance for Hereditary cancer-predisposing syndrome. Last evaluated: 2024-07-26. Review status: criteria provided, single submitter. Criteria: Ambry Variant Classification Scheme 2023. Collection method: clinical testing. Allele origin: germline.
Comment: The p.E78Q variant (also known as c.232G>C), located in coding exon 1 of the CDKN1B gene, results from a G to C substitution at nucleotide position 232. The glutamic acid at codon 78 is replaced by glutamine, an amino acid with highly similar properties. This amino acid position is conserved. In addition, this alteration is predicted to be tolerated by in silico analysis. Based on the available evidence, the clinical significance of this variant remains unclear.

NM_004064.5(CDKN1B):c.232G>C (p.Glu78Gln)

Gene: CDKN1B (cyclin dependent kinase inhibitor 1B; plus strand). Cytogenetic location: 12p13.1.
Variant type: single nucleotide variant.
Coding change: c.232G>C on transcript NM_004064.5 (MANE Select); coding-DNA position 232, G replaced by C.
Protein change: p.Glu78Gln; replaces glutamic acid 78 with glutamine.
Molecular consequence: missense variant.
Genome position (GRCh38, 1-based): chr12:12,718,071, G>C. VCF-style: chr12-12718071-G-C. GRCh37 (hg19) VCF-style: chr12-12871005-G-C.
Other names: short protein forms E78Q.
Identifiers: ClinVar variation 3489623 (VCV003489623.2).
Genomic context (GRCh38, chr12:12,718,071, plus strand): 5'-CGCAAGTGGAATTTCGATTTTCAGAATCACAAACCCCTAGAGGGCAAGTACGAGTGGCAA[G>C]AGGTGGAGAAGGGCAGCTTGCCCGAGTTCTACTACAGACCCCCGCGGCCCCCCAAAGGTG-3'
Protein context (NP_004055.1, residues 68-88): KPLEGKYEWQ[Glu78Gln]VEKGSLPEFY